The following is an entry in ClinVar:

ClinVar aggregate classification (germline): Conflicting classifications of pathogenicity. Review status: criteria provided, conflicting classifications (1 of 4 stars). 5 submissions from 5 submitters: Uncertain significance (1); Benign (2); Likely benign (1). 1 of the submissions does not count toward it. Last evaluated 2026-08-01.

Conditions:
Frontotemporal dementia (FTD1). Also called: Frontotemporal lobe dementia (FLDEM); WILHELMSEN-LYNCH DISEASE; FRONTOTEMPORAL DEMENTIA WITH PARKINSONISM; FRONTOTEMPORAL LOBE DEMENTIA; MULTIPLE SYSTEM TAUOPATHY WITH PRESENILE DEMENTIA; Dementia, frontotemporal, with or without parkinsonism. Identifiers: Orphanet 282, MedGen C0338451, MONDO:0017276, OMIM 600274, HP:0002145.

Allele frequency attached by ClinVar (database versions not stated): 1000 Genomes Project 0.00080; 1000 Genomes Project 30x 0.00094; gnomAD exomes 0.00219 and 0.00331; gnomAD 0.00223 and 0.00235; TOPMed 0.00239; ExAC 0.00241; ESP Exome Variant Server 0.00308.
gnomAD v4.1: 5,087 of 1,609,378 alleles (0.32%); highest among the groups gnomAD compares: Non-Finnish European, 0.39%; 5 homozygotes.

Submissions (5):

CeGaT Center for Human Genetics Tuebingen
Classification: Likely benign. Last evaluated: 2026-08-01. Review status: criteria provided, single submitter. Criteria: CeGaT Center For Human Genetics Tuebingen Variant Classification Criteria Version 2. Collection method: clinical testing. Allele origin: germline. Affected: yes. Observed: 24 variant alleles.
Comment: MAPT: BP4, BS2

Blueprint Genetics
Classification: Uncertain significance. Last evaluated: 2024-11-25. Review status: criteria provided, single submitter. Criteria: ACMG Guidelines, 2015. Collection method: clinical testing. Allele origin: germline.

Labcorp Genetics (formerly Invitae), Labcorp
Classification: Benign for Frontotemporal dementia. Last evaluated: 2022-11-04. Review status: criteria provided, single submitter. Criteria: Invitae Variant Classification Sherloc (09022015). Collection method: clinical testing. Allele origin: germline.

GeneDx
Classification: Benign. Last evaluated: 2019-08-05. Review status: criteria provided, single submitter. Criteria: GeneDx Variant Classification Process June 2021. Collection method: clinical testing. Allele origin: germline. Affected: yes.
Comment: This variant is associated with the following publications: (PMID: 22906081, 23990795, 25617006, 29525178, 25104557, 25937274)

Department of Pathology and Laboratory Medicine, Sinai Health System
Classification: Likely benign. Review status: no assertion criteria provided. Collection method: clinical testing. Allele origin: unknown. Affected: yes. Study: The Canadian Open Genetics Repository (COGR). Not counted in ClinVar's aggregate classification.
Comment: The MAPT p.Val224Gly variant was identified in 2 of 282 proband chromosomes (frequency: 0.007) from individuals with late onset Alzheimer's and was present in 1 of 358 control chromosomes (frequency: 0.003) from healthy individuals (Sassi_2014_PMID:25104557). Another study identified the p.V224G variant in 3 of 460 control individuals but not in 517 Parkinson's patients (Iqbal_2016_PMID:27329738). The variant was identified in dbSNP (ID: rs141120474), Cosmic, ClinVar (classified as uncertain significance by CeGaT Praxis fuer Humangenetik Tuebingen) and LOVD 3.0 (classified as likely benign three times and a VUS). The variant was also identified in control databases in 587 of 275134 chromosomes (1 homozygous) at a frequency of 0.002134 increasing the likelihood this could be a low frequency benign variant (Genome Aggregation Database March 6, 2019, v2.1.1). The variant was observed in the following populations: European (non-Finnish) in 450 of 123792 chromosomes (freq: 0.003635), Other in 19 of 7058 chromosomes (freq: 0.002692), Ashkenazi Jewish in 25 of 10060 chromosomes (freq: 0.002485), Latino in 59 of 35178 chromosomes (freq: 0.001677), African in 21 of 24144 chromosomes (freq: 0.00087), European (Finnish) in 12 of 24802 chromosomes (freq: 0.000484) and South Asian in 1 of 30292 chromosomes (freq: 0.000033), but was not observed in the East Asian population. The p.Val224 residue is not conserved in mammals and four out of five computational analyses (PolyPhen-2, SIFT, AlignGVGD, BLOSUM, MutationTaster) do not suggest a high likelihood of impact to the protein; however, this information is not predictive enough to rule out pathogenicity. The variant occurs outside of the splicing consensus sequence and in silico or computational prediction software programs (SpliceSiteFinder, MaxEntScan, NNSPLICE, GeneSplicer) do not predict a difference in splicing. In summary, based on the above information the clinical significance of this variant cannot be determined with certainty at this time although we would lean towards a more benign role for this variant. This variant is classified as likely benign.

NM_001377265.1(MAPT):c.896T>G (p.Val299Gly)

Gene: MAPT (microtubule associated protein tau). Cytogenetic location: 17q21.31.
Variant type: single nucleotide variant.
Coding change: c.896T>G on transcript NM_001377265.1 (MANE Select); coding-DNA position 896, T replaced by G.
Protein change: p.Val299Gly; replaces valine 299 with glycine.
Molecular consequence: missense variant. On other transcripts: intron variant (8).
Genome position (GRCh38, 1-based): chr17:45,983,475, T>G. VCF-style: chr17-45983475-T-G. GRCh37 (hg19) VCF-style: chr17-44060841-T-G.
Other names: c.671T>G, p.Val224Gly (NM_001123066.4, NM_016835.5); c.896T>G, p.Val299Gly (NM_001377266.1); c.200-3565T>G (NM_001377268.1, NM_016834.5, NM_016841.5); c.374-3565T>G (NM_005910.6, NM_001203252.2); c.287-3565T>G (NM_001123067.4, NM_001203251.2, NM_001377267.1); short protein forms V224G, V299G.
Identifiers: ClinVar variation 623931 (VCV000623931.55), dbSNP rs141120474, ClinGen allele CA8617722.
Genomic context (GRCh38, chr17:45,983,475, plus strand): 5'-AGGGGGCAGGGGGCAAAGAGAGGCCGGGGAGCAAGGAGGAGGTGGATGAAGACCGCGACG[T>G]CGATGAGTCCTCCCCCCAAGACTCCCCTCCCTCCAAGGCCTCCCCAGCCCAAGATGGGCG-3'
Protein context (NP_001364194.1, residues 289-309): SKEEVDEDRD[Val299Gly]DESSPQDSPP